The following is an entry in ClinVar:

NM_004006.3(DMD):c.6614+6G>A

Gene: DMD (dystrophin; minus strand). Cytogenetic location: Xp21.1.
Variant type: single nucleotide variant.
Coding change: c.6614+6G>A on transcript NM_004006.3 (MANE Select); 6 bases into the intron after coding-DNA position 6614, G replaced by A.
Molecular consequence: intron variant.
Genome position (GRCh38, 1-based): chrX:31,968,333, C>T on the plus strand (G>A on the coding strand, the complement: DMD is on the minus strand). VCF-style: chrX-31968333-C-T. GRCh37 (hg19) VCF-style: chrX-31986450-C-T.
Other names: c.6590+6G>A (NM_000109.4); c.2591+6G>A (NM_004011.4); c.2582+6G>A (NM_004012.4); c.-767+6G>A (NM_004023.3, NM_004020.4, NM_004022.3 and 2 more transcripts); c.6602+6G>A (NM_004009.3); c.6245+6G>A (NM_004010.3).
Identifiers: ClinVar variation 956549 (VCV000956549.6), dbSNP rs750175070, ClinGen allele CA641365360.
Genomic context (GRCh38, chrX:31,968,333, plus strand): 5'-TTCTTCTAAAGAAAGCTTAAAAAGTCTGCTAAAATGTTTTCATTCCTATTAGATCTGTCG[C>T]CCTACCTCTTTTTTCTGTCTGACAGCTGTTTGCAGACCTCCTGCCACCGCAGATTCAGGC-3'

ClinVar aggregate classification (germline): Uncertain significance. Review status: criteria provided, multiple submitters, no conflicts (2 of 4 stars). 3 submissions from 3 submitters: Uncertain significance (2). 1 of the submissions does not count toward it. Last evaluated 2024-12-14.

Conditions:
Duchenne muscular dystrophy (DMD). Also called: MUSCULAR DYSTROPHY, PSEUDOHYPERTROPHIC PROGRESSIVE, DUCHENNE TYPE; Duchenne Muscular Dystrophy (DMD). Identifiers: Orphanet 98896, MedGen C0013264, MONDO:0010679, OMIM 310200.
Dystrophin deficiency.
Becker muscular dystrophy (BMD). Also called: MUSCULAR DYSTROPHY, PSEUDOHYPERTROPHIC PROGRESSIVE, BECKER TYPE; Becker Muscular Dystrophy (BMD). Identifiers: Orphanet 98895, MedGen C0917713, MONDO:0010311, OMIM 300376.
Cardiomyopathy (CMYO). Also called: Cardiomyopathies. Identifiers: Orphanet 167848, MedGen C0878544, MONDO:0004994, HP:0001638. Inheritance: Various modes of inheritance.

Allele frequency attached by ClinVar (database versions not stated): gnomAD 0.00001.
gnomAD v4.1: 3 of 1,208,024 alleles (0.00025%); highest among the groups gnomAD compares: East Asian, 0.0089%; no homozygotes.

Submissions (3):

Women's Health and Genetics/Laboratory Corporation of America, LabCorp
Classification: Uncertain significance. Last evaluated: 2024-12-14. Review status: criteria provided, single submitter. Criteria: LabCorp Variant Classification Summary - May 2015. Collection method: clinical testing. Allele origin: germline.

Labcorp Genetics (formerly Invitae), Labcorp
Classification: Uncertain significance for Duchenne muscular dystrophy. Last evaluated: 2024-04-17. Review status: criteria provided, single submitter. Criteria: Invitae Variant Classification Sherloc (09022015). Collection method: clinical testing. Allele origin: germline.
Comment: This sequence change falls in intron 45 of the DMD gene. It does not directly change the encoded amino acid sequence of the DMD protein. It affects a nucleotide within the consensus splice site. This variant is present in population databases (no rsID available, gnomAD 0.01%). This variant has not been reported in the literature in individuals affected with DMD-related conditions. ClinVar contains an entry for this variant (Variation ID: 956549). Variants that disrupt the consensus splice site are a relatively common cause of aberrant splicing (PMID: 17576681, 9536098). Algorithms developed to predict the effect of sequence changes on RNA splicing suggest that this variant is not likely to affect RNA splicing. In summary, the available evidence is currently insufficient to determine the role of this variant in disease. Therefore, it has been classified as a Variant of Uncertain Significance.

Natera, Inc.
Classification: Uncertain significance for Becker muscular dystrophy; Cardiomyopathy; Duchenne muscular dystrophy; Dystrophin deficiency. Last evaluated: 2019-09-06. Review status: no assertion criteria provided. Collection method: clinical testing. Allele origin: germline. Not counted in ClinVar's aggregate classification.

Literature cited by the submitters: PubMed 17576681 (cited by Labcorp Genetics (formerly Invitae), Labcorp); PubMed 9536098 (cited by Labcorp Genetics (formerly Invitae), Labcorp).